The following is an entry in ClinVar:

ClinVar aggregate classification (germline): Uncertain significance (1 of 4 stars; one submission).

Allele frequency attached by ClinVar (database versions not stated): 1000 Genomes Project 30x 0.00031; 1000 Genomes Project 0.00040.
gnomAD v4.1: 170 of 1,612,390 alleles (0.011%); highest among the groups gnomAD compares: Middle Eastern, 0.05%; 1 homozygote.

Submission:

Labcorp Genetics (formerly Invitae), Labcorp
Classification: Uncertain significance. Last evaluated: 2021-12-19. Review status: criteria provided, single submitter. Criteria: Invitae Variant Classification Sherloc (09022015). Collection method: clinical testing. Allele origin: germline.
Comment: This sequence change replaces arginine, which is basic and polar, with tryptophan, which is neutral and slightly polar, at codon 81 of the PISD protein (p.Arg81Trp). The frequency data for this variant in the population databases is considered unreliable, as metrics indicate poor data quality at this position in the gnomAD database. This variant has not been reported in the literature in individuals affected with PISD-related conditions. Algorithms developed to predict the effect of missense changes on protein structure and function are either unavailable or do not agree on the potential impact of this missense change (SIFT: "Not Available"; PolyPhen-2: "Benign"; Align-GVGD: "Not Available"). In summary, the available evidence is currently insufficient to determine the role of this variant in disease. Therefore, it has been classified as a Variant of Uncertain Significance.

NM_001326411.2(PISD):c.241C>T (p.Arg81Trp)

Gene: PISD (phosphatidylserine decarboxylase; minus strand). Cytogenetic location: 22q12.2.
Variant type: single nucleotide variant.
Coding change: c.241C>T on transcript NM_001326411.2 (MANE Select); coding-DNA position 241, C replaced by T.
Protein change: p.Arg81Trp; replaces arginine 81 with tryptophan.
Molecular consequence: missense variant. On other transcripts: synonymous variant (2), 5 prime UTR variant (4).
Genome position (GRCh38, 1-based): chr22:31,648,181, G>A on the plus strand (C>T on the coding strand, the complement: PISD is on the minus strand). VCF-style: chr22-31648181-G-A. GRCh37 (hg19) VCF-style: chr22-32044167-G-A.
Other names: c.241C>T, p.Arg81Trp (NM_001326412.1, NM_001326421.1); c.12C>T, p.Thr4= (NM_001326413.2, NM_001326414.2); c.-282C>T (NM_001326415.2, NM_001326417.2, NM_001326419.2); c.-391C>T (NM_001326416.2); c.61C>T, p.Arg21Trp (NM_001326418.2, NM_001326420.2); short protein forms R81W, R21W.
Identifiers: ClinVar variation 2203465 (VCV002203465.1), dbSNP rs553274797, ClinGen allele CA10194972.